The following is an entry in ClinVar:

ClinVar aggregate classification (germline): Uncertain significance (1 of 4 stars; one submission).

Conditions:
Hereditary cancer-predisposing syndrome. Also called: Tumor predisposition; Hereditary neoplastic syndrome; Neoplastic Syndromes, Hereditary; Hereditary Cancer Syndrome. Identifiers: Orphanet 140162, MedGen C0027672, MeSH D009386, MONDO:0015356.

Submission:

Ambry Genetics
Classification: Uncertain significance for Hereditary cancer-predisposing syndrome. Last evaluated: 2025-04-12. Review status: criteria provided, single submitter. Criteria: Ambry Variant Classification Scheme 2023. Collection method: clinical testing. Allele origin: germline.
Comment: The p.N206K variant (also known as c.618C>A), located in coding exon 5 of the EGFR gene, results from a C to A substitution at nucleotide position 618. The asparagine at codon 206 is replaced by lysine, an amino acid with similar properties. This amino acid position is conserved. In addition, this alteration is predicted to be tolerated by in silico analysis. Based on the available evidence, the clinical significance of this variant remains unclear.

NM_005228.5(EGFR):c.618C>A (p.Asn206Lys)

Gene: EGFR (epidermal growth factor receptor; plus strand). Cytogenetic location: 7p11.2.
Variant type: single nucleotide variant.
Coding change: c.618C>A on transcript NM_005228.5 (MANE Select); coding-DNA position 618, C replaced by A.
Protein change: p.Asn206Lys; replaces asparagine 206 with lysine.
Molecular consequence: missense variant. On other transcripts: intron variant (1).
Genome position (GRCh38, 1-based): chr7:55,151,352, C>A. VCF-style: chr7-55151352-C-A. GRCh37 (hg19) VCF-style: chr7-55219045-C-A.
Other names: c.89-4478C>A (NM_001346941.2); c.618C>A, p.Asn206Lys (NM_201283.2, NM_201284.2, NM_001346898.2 and 1 more transcripts); c.483C>A, p.Asn161Lys (NM_001346897.2, NM_001346899.2); c.459C>A, p.Asn153Lys (NM_001346900.2); short protein forms N153K, N161K, N206K.
Identifiers: ClinVar variation 4016736 (VCV004016736.1).